The following is an entry in ClinVar:

NM_001458.5(FLNC):c.6613G>T (p.Val2205Leu)

Genes: FLNC-AS1 (FLNC antisense RNA 1; minus strand), FLNC (filamin C; plus strand). Cytogenetic location: 7q32.1.
Variant type: single nucleotide variant.
Coding change: c.6613G>T on transcript NM_001458.5 (MANE Select); coding-DNA position 6613, G replaced by T.
Protein change: p.Val2205Leu; replaces valine 2205 with leucine.
Molecular consequence: missense variant.
Genome position (GRCh38, 1-based): chr7:128,854,102, G>T. VCF-style: chr7-128854102-G-T. GRCh37 (hg19) VCF-style: chr7-128494156-G-T.
Other names: c.6514G>T, p.Val2172Leu (NM_001127487.2); short protein forms V2172L, V2205L.
Identifiers: ClinVar variation 3755676 (VCV003755676.2).
Genomic context (GRCh38, chr7:128,854,102, plus strand): 5'-TACACCCGCACGGAGCGCACGGAGATCAGCAAGACGCGGGGCGGGGAGACAAAGCGCGAG[G>T]TGCGGGTGGAGGAGTCCACCCAGGTCGGCGGGGACCCCTTCCCTGCTGTGTTTGGGGACT-3'
Protein context (NP_001449.3, residues 2195-2215): KTRGGETKRE[Val2205Leu]RVEESTQVGG

ClinVar aggregate classification (germline): Uncertain significance (1 of 4 stars; one submission).

Conditions:
Distal myopathy with posterior leg and anterior hand involvement. Also called: WILLIAMS DISTAL MYOPATHY. Identifiers: Orphanet 63273, MedGen C3279722, MONDO:0013550, OMIM 614065.
Hypertrophic cardiomyopathy 26. Also called: Cardiomyopathy, familial hypertrophic, 26. Identifiers: Orphanet 75249, MedGen C4310749, MONDO:0014883, OMIM 617047.
Myofibrillar myopathy 5. Also called: Filaminopathy (type); FILAMINOPATHY, AUTOSOMAL DOMINANT. Identifiers: Orphanet 171445, MedGen C1836050, MONDO:0012289, OMIM 609524.

gnomAD v4.1: 1 of 1,613,024 alleles (0.000062%); highest among the groups gnomAD compares: Non-Finnish European, 0.000085%; no homozygotes.

Submission:

Labcorp Genetics (formerly Invitae), Labcorp
Classification: Uncertain significance for Distal myopathy with posterior leg and anterior hand involvement; Myofibrillar myopathy 5; Hypertrophic cardiomyopathy 26. Last evaluated: 2025-09-24. Review status: criteria provided, single submitter. Criteria: Invitae Variant Classification Sherloc (09022015). Collection method: clinical testing. Allele origin: germline.
Comment: This sequence change replaces valine, which is neutral and non-polar, with leucine, which is neutral and non-polar, at codon 2205 of the FLNC protein (p.Val2205Leu). This variant is not present in population databases (gnomAD no frequency). This variant has not been reported in the literature in individuals affected with FLNC-related conditions. ClinVar contains an entry for this variant (Variation ID: 3755676). An algorithm developed to predict the effect of missense changes on protein structure and function (PolyPhen-2) suggests that this variant is likely to be tolerated. In summary, the available evidence is currently insufficient to determine the role of this variant in disease. Therefore, it has been classified as a Variant of Uncertain Significance.